The following is an entry in ClinVar:

ClinVar aggregate classification (germline): Uncertain significance (0 of 4 stars; one submission).

Submission:

Genetic Services Laboratory, University of Chicago
Classification: Uncertain significance. Last evaluated: 2022-07-12. Review status: no assertion criteria provided. Collection method: clinical testing. Allele origin: germline. Affected: no.
Comment: DNA sequence analysis of the SAMD9L gene demonstrated a sequence change, c.3571A>G, in exon 5 that results in an amino acid change, p.Met1191Val. This sequence change does not appear to have been previously described in individuals with SAMD9L-related disorders and has also not been described in population databases such as ExAC and gnomAD. The p.Met1191Val change affects a poorly conserved amino acid residue located in a domain of the SAMD9L protein that is not known to be functional. The p.Met1191Val substitution appears to be benign using several in-silico pathogenicity prediction tools (SIFT, PolyPhen2, Align GVGD, REVEL). Due to insufficient evidences and the lack of functional studies, the clinical significance of the p.Met1191Val change remains unknown at this time.

NM_152703.5(SAMD9L):c.3571A>G (p.Met1191Val)

Gene: SAMD9L (sterile alpha motif domain containing 9 like; minus strand). Cytogenetic location: 7q21.2.
Variant type: single nucleotide variant.
Coding change: c.3571A>G on transcript NM_152703.5 (MANE Select); coding-DNA position 3571, A replaced by G.
Protein change: p.Met1191Val; replaces methionine 1191 with valine.
Molecular consequence: missense variant.
Genome position (GRCh38, 1-based): chr7:93,132,401, T>C on the plus strand (A>G on the coding strand, the complement: SAMD9L is on the minus strand). VCF-style: chr7-93132401-T-C. GRCh37 (hg19) VCF-style: chr7-92761714-T-C.
Other names: c.3571A>G, p.Met1191Val (NM_001303496.3, NM_001303497.3, NM_001303498.3 and 5 more transcripts); short protein forms M1191V.
Identifiers: ClinVar variation 2443253 (VCV002443253.2), dbSNP rs2535411212, ClinGen allele CA368181568.